The following is an entry in ClinVar:

ClinVar aggregate classification (germline): Likely pathogenic (1 of 4 stars; one submission).

Conditions:
PAFAH1B1-related disorder. Also called: PAFAH1B1-related condition.

gnomAD v4.1: 1 of 1,613,962 alleles (0.000062%); highest among the groups gnomAD compares: African/African-American, 0.0013%; no homozygotes.

Submission:

PreventionGenetics, part of Exact Sciences
Classification: Likely pathogenic for PAFAH1B1-related condition. Last evaluated: 2025-09-20. Review status: criteria provided, single submitter. Criteria: ACMG Guidelines, 2015. Collection method: clinical testing. Allele origin: germline.
Comment: The PAFAH1B1 c.740C>T variant is predicted to result in the amino acid substitution p.Thr247Ile. To our knowledge, this variant has not been reported in the literature or in a large population database (gnomAD), indicating it is rare. This variant is interpreted as likely pathogenic.

NM_000430.4(PAFAH1B1):c.740C>T (p.Thr247Ile)

Gene: PAFAH1B1 (platelet activating factor acetylhydrolase 1b regulatory subunit 1; plus strand). Cytogenetic location: 17p13.3.
Variant type: single nucleotide variant.
Coding change: c.740C>T on transcript NM_000430.4 (MANE Select); coding-DNA position 740, C replaced by T.
Protein change: p.Thr247Ile; replaces threonine 247 with isoleucine.
Molecular consequence: missense variant.
Genome position (GRCh38, 1-based): chr17:2,674,128, C>T. VCF-style: chr17-2674128-C-T. GRCh37 (hg19) VCF-style: chr17-2577422-C-T.
Other names: short protein forms T247I.
Identifiers: ClinVar variation 4979794 (VCV004979794.1).
Genomic context (GRCh38, chr17:2,674,128, plus strand): 5'-TGAAGACATTCACAGGACACAGAGAATGGGTACGTATGGTACGGCCAAATCAAGATGGCA[C>T]TCTGATAGCCAGCTGTTCCAATGACCAGACTGTGCGTGTATGGGTCGTAGCAACAAAGGA-3'
Protein context (NP_000421.1, residues 237-257): VRMVRPNQDG[Thr247Ile]LIASCSNDQT